The following is an entry in ClinVar:

NM_003061.3(SLIT1):c.2439-5C>T

Gene: SLIT1 (slit guidance ligand 1; minus strand). Cytogenetic location: 10q24.1.
Variant type: single nucleotide variant.
Coding change: c.2439-5C>T on transcript NM_003061.3 (MANE Select); 5 bases into the intron before coding-DNA position 2439, C replaced by T.
Molecular consequence: intron variant.
Genome position (GRCh38, 1-based): chr10:97,031,682, G>A on the plus strand (C>T on the coding strand, the complement: SLIT1 is on the minus strand). VCF-style: chr10-97031682-G-A. GRCh37 (hg19) VCF-style: chr10-98791439-G-A.
Identifiers: ClinVar variation 2640733 (VCV002640733.24), dbSNP rs11591691, ClinGen allele CA5628126.

ClinVar aggregate classification (germline): Likely benign (1 of 4 stars; one submission).

Allele frequency attached by ClinVar (database versions not stated): 1000 Genomes Project 0.00080; 1000 Genomes Project 30x 0.00094; gnomAD 0.00441; TOPMed 0.00460; ESP Exome Variant Server 0.00488; ExAC 0.00573; gnomAD exomes 0.00628.
gnomAD v4.1: 9,515 of 1,550,020 alleles (0.61%); highest among the groups gnomAD compares: Non-Finnish European, 0.7%; 49 homozygotes.

Submission:

CeGaT Center for Human Genetics Tuebingen
Classification: Likely benign. Last evaluated: 2023-08-01. Review status: criteria provided, single submitter. Criteria: CeGaT Center For Human Genetics Tuebingen Variant Classification Criteria Version 2. Collection method: clinical testing. Allele origin: germline. Affected: yes. Observed: 3 variant alleles.
Comment: SLIT1: BP4, BS2